The following is an entry in ClinVar:

NM_001029896.2(WDR45):c.257G>A (p.Arg86Gln)

Gene: WDR45 (WD repeat domain 45; minus strand). Cytogenetic location: Xp11.23.
Variant type: single nucleotide variant.
Coding change: c.257G>A on transcript NM_001029896.2 (MANE Select); coding-DNA position 257, G replaced by A.
Protein change: p.Arg86Gln; replaces arginine 86 with glutamine.
Molecular consequence: missense variant.
Genome position (GRCh38, 1-based): chrX:49,076,729, C>T on the plus strand (G>A on the coding strand, the complement: WDR45 is on the minus strand). VCF-style: chrX-49076729-C-T. GRCh37 (hg19) VCF-style: chrX-48934388-C-T.
Other names: c.260G>A, p.Arg87Gln (NM_007075.4); short protein forms R87Q, R86Q.
Identifiers: ClinVar variation 571895 (VCV000571895.57), dbSNP rs147437546, ClinGen allele CA10408574.

ClinVar aggregate classification (germline): Benign/Likely benign. Review status: criteria provided, multiple submitters, no conflicts (2 of 4 stars). 5 submissions from 5 submitters: Benign (1); Likely benign (4). Last evaluated 2026-03-01.

Conditions:
Inborn genetic diseases. Identifiers: MedGen C0950123, MeSH D030342.
Neurodegeneration with brain iron accumulation 5 (NBIA5). Also called: STATIC ENCEPHALOPATHY OF CHILDHOOD WITH NEURODEGENERATION IN ADULTHOOD; Beta-propeller protein-associated neurodegeneration. Identifiers: Orphanet 329284, MedGen C3550973, MONDO:0010476, OMIM 300894.

Allele frequency attached by ClinVar (database versions not stated): gnomAD 0.00002 and 0.00003; gnomAD exomes 0.00003 and 0.00006; TOPMed 0.00003; ESP Exome Variant Server 0.00009; ExAC 0.00011.
gnomAD v4.1: 41 of 1,204,606 alleles (0.0034%); highest among the groups gnomAD compares: Admixed American, 0.0044%; no homozygotes.

Submissions (5):

CeGaT Center for Human Genetics Tuebingen
Classification: Likely benign. Last evaluated: 2026-03-01. Review status: criteria provided, single submitter. Criteria: CeGaT Center For Human Genetics Tuebingen Variant Classification Criteria Version 2. Collection method: clinical testing. Allele origin: germline. Affected: yes. Observed: 5 variant alleles.
Comment: WDR45: BS2

Labcorp Genetics (formerly Invitae), Labcorp
Classification: Benign for Neurodegeneration with brain iron accumulation 5. Last evaluated: 2025-03-03. Review status: criteria provided, single submitter. Criteria: Invitae Variant Classification Sherloc (09022015). Collection method: clinical testing. Allele origin: germline.

Athena Diagnostics
Classification: Likely benign. Last evaluated: 2024-09-30. Review status: criteria provided, single submitter. Criteria: Athena Diagnostics Criteria. Collection method: clinical testing. Allele origin: unknown.

Ambry Genetics
Classification: Likely benign for Inborn genetic diseases. Last evaluated: 2024-09-01. Review status: criteria provided, single submitter. Criteria: Ambry Variant Classification Scheme 2023. Collection method: clinical testing. Allele origin: germline.

GeneDx
Classification: Likely benign. Last evaluated: 2021-01-18. Review status: criteria provided, single submitter. Criteria: GeneDx Variant Classification Process June 2021. Collection method: clinical testing. Allele origin: germline. Affected: yes.